The following is an entry in ClinVar:

ClinVar aggregate classification (germline): Uncertain significance (1 of 4 stars; one submission).

Conditions:
Hajdu-Cheney syndrome (HJCYS). Also called: Acroosteolysis dominant type; ACROOSTEOLYSIS WITH OSTEOPOROSIS AND CHANGES IN SKULL AND MANDIBLE; SERPENTINE FIBULA-POLYCYSTIC KIDNEY SYNDROME. Identifiers: Orphanet 955, MedGen C0917715, MONDO:0007057, OMIM 102500.

Submission:

Labcorp Genetics (formerly Invitae), Labcorp
Classification: Uncertain significance for Hajdu-Cheney syndrome. Last evaluated: 2022-09-17. Review status: criteria provided, single submitter. Criteria: Invitae Variant Classification Sherloc (09022015). Collection method: clinical testing. Allele origin: germline.
Comment: In summary, the available evidence is currently insufficient to determine the role of this variant in disease. Therefore, it has been classified as a Variant of Uncertain Significance. Advanced modeling of protein sequence and biophysical properties (such as structural, functional, and spatial information, amino acid conservation, physicochemical variation, residue mobility, and thermodynamic stability) performed at Invitae indicates that this missense variant is not expected to disrupt NOTCH2 protein function. This variant has not been reported in the literature in individuals affected with NOTCH2-related conditions. This variant is not present in population databases (gnomAD no frequency). This sequence change replaces histidine, which is basic and polar, with asparagine, which is neutral and polar, at codon 1724 of the NOTCH2 protein (p.His1724Asn).

NM_024408.4(NOTCH2):c.5170C>A (p.His1724Asn)

Gene: NOTCH2 (notch receptor 2; minus strand). Cytogenetic location: 1p12.
Variant type: single nucleotide variant.
Coding change: c.5170C>A on transcript NM_024408.4 (MANE Select); coding-DNA position 5170, C replaced by A.
Protein change: p.His1724Asn; replaces histidine 1724 with asparagine.
Molecular consequence: missense variant.
Genome position (GRCh38, 1-based): chr1:119,922,279, G>T on the plus strand (C>A on the coding strand, the complement: NOTCH2 is on the minus strand). VCF-style: chr1-119922279-G-T. GRCh37 (hg19) VCF-style: chr1-120464902-G-T.
Other names: short protein forms H1724N.
Identifiers: ClinVar variation 1719698 (VCV001719698.6), dbSNP rs2101154218, ClinGen allele CA341886755.